The following is an entry in ClinVar:

NM_000393.5(COL5A2):c.889G>A (p.Gly297Ser)

Gene: COL5A2 (collagen type V alpha 2 chain; minus strand). Cytogenetic location: 2q32.2.
Variant type: single nucleotide variant.
Coding change: c.889G>A on transcript NM_000393.5 (MANE Select); coding-DNA position 889, G replaced by A.
Protein change: p.Gly297Ser; replaces glycine 297 with serine.
Molecular consequence: missense variant.
Genome position (GRCh38, 1-based): chr2:189,081,007, C>T on the plus strand (G>A on the coding strand, the complement: COL5A2 is on the minus strand). VCF-style: chr2-189081007-C-T. GRCh37 (hg19) VCF-style: chr2-189945733-C-T.
Other names: short protein forms G297S.
Identifiers: ClinVar variation 958336 (VCV000958336.11), dbSNP rs1686522348, ClinGen allele CA349857203.

ClinVar aggregate classification (germline): Uncertain significance (1 of 4 stars; one submission).

Conditions:
Ehlers-Danlos syndrome, classic type, 1 (EDSCL1). Also called: Ehlers-Danlos syndrome, type 1; EHLERS-DANLOS SYNDROME, GRAVIS TYPE; EHLERS-DANLOS SYNDROME, SEVERE CLASSIC TYPE; EDS I; Ehlers-Danlos Syndrome, Classic Type, COL5A1-Related. Identifiers: MedGen C0268335, MONDO:0019567, OMIM 130000.

Submission:

Labcorp Genetics (formerly Invitae), Labcorp
Classification: Uncertain significance for Ehlers-Danlos syndrome, classic type, 1. Last evaluated: 2022-03-18. Review status: criteria provided, single submitter. Criteria: Invitae Variant Classification Sherloc (09022015). Collection method: clinical testing. Allele origin: germline.
Comment: This sequence change replaces glycine, which is neutral and non-polar, with serine, which is neutral and polar, at codon 297 of the COL5A2 protein (p.Gly297Ser). This variant is not present in population databases (gnomAD no frequency). This variant has not been reported in the literature in individuals affected with COL5A2-related conditions. ClinVar contains an entry for this variant (Variation ID: 958336). Advanced modeling of protein sequence and biophysical properties (such as structural, functional, and spatial information, amino acid conservation, physicochemical variation, residue mobility, and thermodynamic stability) performed at Invitae indicates that this missense variant is expected to disrupt COL5A2 protein function. Algorithms developed to predict the effect of sequence changes on RNA splicing suggest that this variant may create or strengthen a splice site. In summary, the available evidence is currently insufficient to determine the role of this variant in disease. Therefore, it has been classified as a Variant of Uncertain Significance.